The following is an entry in ClinVar:

NM_022124.6(CDH23):c.4129del (p.Val1377fs)

Genes: C10orf105 (chromosome 10 open reading frame 105; minus strand), CDH23 (cadherin related 23; plus strand). Cytogenetic location: 10q22.1.
Variant type: Deletion.
Coding change: c.4129del on transcript NM_022124.6 (MANE Select); coding-DNA position 4129, one base deleted (G; older notation c.4129delG).
Protein change: p.Val1377fs; shifts the reading frame from valine 1377.
Molecular consequence: frameshift variant. On other transcripts: intron variant (1).
Genome position (GRCh38, 1-based): chr10:71,734,264, G deleted; the last of 2 consecutive G bases (chr10:71,734,263-71,734,264); deleting either gives the same sequence. VCF-style (leftmost placement, unchanged base first): chr10-71734262-TG-T. GRCh37 (hg19) VCF-style: chr10-73494019-TG-T.
Other names: c.-6+3465del (NM_001168390.2); short protein forms V1377fs.
Identifiers: ClinVar variation 4816077 (VCV004816077.1).

ClinVar aggregate classification (germline): Likely pathogenic (1 of 4 stars; one submission).

Conditions:
Usher syndrome type 1 (USH1). Also called: RETINITIS PIGMENTOSA AND CONGENITAL DEAFNESS. Identifiers: Orphanet 231169, Orphanet 886, MedGen C1568247, MONDO:0010168, OMIM 276900.

Submission:

Natera, Inc.
Classification: Likely pathogenic for Usher syndrome type 1. Last evaluated: 2024-03-28. Review status: criteria provided, single submitter. Criteria: Natera Variant Classification Schema (03/2026). Collection method: clinical testing. Allele origin: germline.
Comment: The c.4129delG variant in CDH23 is a frameshift variant predicted to shift the reading frame beginning at codon 1377 and leads to a stop codon 11 codons downstream. This variant is expected to result in nonsense mediated decay, truncation, or a dysfunctional protein product. This variant is rare in the general population with a frequency below the threshold expected for the associated phenotype(s). Given the available evidence, this variant is classified as Likely Pathogenic.